The following is an entry in ClinVar:

ClinVar aggregate classification (germline): Benign. Review status: criteria provided, multiple submitters, no conflicts (2 of 4 stars). 2 submissions from 2 submitters: Benign (2). Last evaluated 2018-06-19.

Allele frequency attached by ClinVar (database versions not stated): gnomAD 0.04237 and 0.04506; 1000 Genomes Project 0.04553; TOPMed 0.04905; 1000 Genomes Project 30x 0.04919.
gnomAD v4.1: 12,302 of 1,393,250 alleles (0.88%); highest among the groups gnomAD compares: African/African-American, 14%; 760 homozygotes.

Submissions (2):

GeneDx
Classification: Benign. Last evaluated: 2018-06-19. Review status: criteria provided, single submitter. Criteria: GeneDx Variant Classification (06012015). Collection method: clinical testing. Allele origin: germline. Affected: yes.
Comment: This variant is considered likely benign or benign based on one or more of the following criteria: it is a conservative change, it occurs at a poorly conserved position in the protein, it is predicted to be benign by multiple in silico algorithms, and/or has population frequency not consistent with disease.

Breakthrough Genomics
Classification: Benign. Review status: criteria provided, single submitter. Criteria: ACMG Guidelines, 2015. Collection method: not provided. Allele origin: germline. Inheritance: Autosomal recessive inheritance. Affected: yes.

NM_000540.3(RYR1):c.14969+72C>T

Gene: RYR1 (ryanodine receptor 1; plus strand). Cytogenetic location: 19q13.2.
Variant type: single nucleotide variant.
Coding change: c.14969+72C>T on transcript NM_000540.3 (MANE Select); 72 bases into the intron after coding-DNA position 14969, C replaced by T.
Molecular consequence: intron variant.
Genome position (GRCh38, 1-based): chr19:38,586,263, C>T. VCF-style: chr19-38586263-C-T. GRCh37 (hg19) VCF-style: chr19-39076903-C-T.
Other names: c.14954+72C>T (NM_001042723.2).
Identifiers: ClinVar variation 669255 (VCV000669255.2), dbSNP rs111891859, ClinGen allele CA308126801.
Genomic context (GRCh38, chr19:38,586,263, plus strand): 5'-CACTGGCCAGTCAGGAGGGTGGGGGGCATGGCTGCCAATAGCCAGCAGTGGGGTACTTAG[C>T]TTTGGCCAGTTAGGAAAGGGGGTGTAGTGTCCATGTGGGCAGATTCCCTGCCAGCCAATC-3'